The following is an entry in ClinVar:

NM_000455.5(STK11):c.1236C>G (p.Asn412Lys)

Gene: STK11 (serine/threonine kinase 11; plus strand). Cytogenetic location: 19p13.3.
Variant type: single nucleotide variant.
Coding change: c.1236C>G on transcript NM_000455.5 (MANE Select); coding-DNA position 1236, C replaced by G.
Protein change: p.Asn412Lys; replaces asparagine 412 with lysine.
Molecular consequence: missense variant.
Genome position (GRCh38, 1-based): chr19:1,226,581, C>G. VCF-style: chr19-1226581-C-G. GRCh37 (hg19) VCF-style: chr19-1226580-C-G.
Other names: short protein forms N412K.
Identifiers: ClinVar variation 851866 (VCV000851866.10), dbSNP rs1158714606, ClinGen allele CA402953910.

ClinVar aggregate classification (germline): Uncertain significance. Review status: criteria provided, multiple submitters, no conflicts (2 of 4 stars). 2 submissions from 2 submitters: Uncertain significance (2). Last evaluated 2026-06-24.

Conditions:
Peutz-Jeghers syndrome (PJS). Also called: POLYPOSIS, HAMARTOMATOUS INTESTINAL; POLYPS-AND-SPOTS SYNDROME; Peutz-Jeghers polyposis; Periorificial lentiginosis syndrome. Identifiers: Orphanet 2869, MedGen C0031269, MeSH D010580, MONDO:0008280, OMIM 175200.
Hereditary cancer-predisposing syndrome. Also called: Tumor predisposition; Hereditary neoplastic syndrome; Neoplastic Syndromes, Hereditary; Hereditary Cancer Syndrome. Identifiers: Orphanet 140162, MedGen C0027672, MeSH D009386, MONDO:0015356.

Submissions (2):

Ambry Genetics
Classification: Uncertain significance for Hereditary cancer-predisposing syndrome. Last evaluated: 2026-06-24. Review status: criteria provided, single submitter. Criteria: Ambry Variant Classification Scheme 2023. Collection method: clinical testing. Allele origin: germline.
Comment: The p.N412K variant (also known as c.1236C>G), located in coding exon 9 of the STK11 gene, results from a C to G substitution at nucleotide position 1236. The asparagine at codon 412 is replaced by lysine, an amino acid with similar properties. This amino acid position is conserved. In addition, this alteration is predicted to be tolerated by in silico analysis. Based on the available evidence, the clinical significance of this variant remains unclear.

Labcorp Genetics (formerly Invitae), Labcorp
Classification: Uncertain significance for Peutz-Jeghers syndrome. Last evaluated: 2019-03-25. Review status: criteria provided, single submitter. Criteria: Invitae Variant Classification Sherloc (09022015). Collection method: clinical testing. Allele origin: germline.
Comment: This sequence change replaces asparagine with lysine at codon 412 of the STK11 protein (p.Asn412Lys). The asparagine residue is moderately conserved and there is a moderate physicochemical difference between asparagine and lysine. In summary, the available evidence is currently insufficient to determine the role of this variant in disease. Therefore, it has been classified as a Variant of Uncertain Significance. Algorithms developed to predict the effect of missense changes on protein structure and function (SIFT, PolyPhen-2, Align-GVGD) all suggest that this variant is likely to be tolerated, but these predictions have not been confirmed by published functional studies and their clinical significance is uncertain. This variant has not been reported in the literature in individuals with STK11-related conditions. This variant is not present in population databases (ExAC no frequency).